The following is an entry in ClinVar:

ClinVar aggregate classification (germline): Pathogenic. Review status: criteria provided, multiple submitters, no conflicts (2 of 4 stars). 5 submissions from 5 submitters: Pathogenic (4). 1 of the submissions does not count toward it. Last evaluated 2026-01-02.

Conditions:
Deficiency of alpha-mannosidase (MANSA). Also called: Alpha-Mannosidosis; Mannosidosis, alpha-, types I and II; LYSOSOMAL ALPHA-D-MANNOSIDASE DEFICIENCY. Identifiers: Orphanet 61, MedGen C0024748, MONDO:0009561, OMIM 248500.

Allele frequency attached by ClinVar (database versions not stated): gnomAD exomes below 0.00001; TOPMed below 0.00001; ExAC 0.00001; gnomAD 0.00001.

Submissions (5):

Labcorp Genetics (formerly Invitae), Labcorp
Classification: Pathogenic for Deficiency of alpha-mannosidase. Last evaluated: 2026-01-02. Review status: criteria provided, single submitter. Criteria: Invitae Variant Classification Sherloc (09022015). Collection method: clinical testing. Allele origin: germline.
Comment: This sequence change creates a premature translational stop signal (p.Asp141Alafs*16) in the MAN2B1 gene. It is expected to result in an absent or disrupted protein product. Loss-of-function variants in MAN2B1 are known to be pathogenic (PMID: 9915946, 22161967). This variant is present in population databases (rs778399351, gnomAD 0.0009%). This premature translational stop signal has been observed in individual(s) with mannosidosis (PMID: 22161967). ClinVar contains an entry for this variant (Variation ID: 371425). For these reasons, this variant has been classified as Pathogenic.

Fulgent Genetics
Classification: Pathogenic for Deficiency of alpha-mannosidase. Last evaluated: 2024-03-16. Review status: criteria provided, single submitter. Criteria: ACMG Guidelines, 2015. Collection method: clinical testing. Allele origin: germline.

Baylor Genetics
Classification: Pathogenic for Deficiency of alpha-mannosidase. Last evaluated: 2023-05-16. Review status: criteria provided, single submitter. Criteria: ACMG Guidelines, 2015. Collection method: clinical testing. Allele origin: unknown.

Genome-Nilou Lab
Classification: Pathogenic for Deficiency of alpha-mannosidase. Last evaluated: 2021-09-05. Review status: criteria provided, single submitter. Criteria: ACMG Guidelines, 2015. Collection method: clinical testing. Allele origin: germline. Affected: no.

Counsyl
Classification: Likely pathogenic for Deficiency of alpha-mannosidase. Last evaluated: 2016-09-21. Review status: no assertion criteria provided. Collection method: clinical testing. Allele origin: unknown. Not counted in ClinVar's aggregate classification.

Literature cited by the submitters: PubMed 9915946 (cited by Labcorp Genetics (formerly Invitae), Labcorp); PubMed 22161967 (cited by Labcorp Genetics (formerly Invitae), Labcorp and Counsyl).

NM_000528.4(MAN2B1):c.422del (p.Asp141fs)

Gene: MAN2B1 (mannosidase alpha class 2B member 1; minus strand). Cytogenetic location: 19p13.13.
Variant type: Deletion.
Coding change: c.422del on transcript NM_000528.4 (MANE Select); coding-DNA position 422, one base deleted (A; older notation c.422delA).
Protein change: p.Asp141fs; shifts the reading frame from aspartic acid 141.
Molecular consequence: frameshift variant.
Genome position (GRCh38, 1-based): chr19:12,665,366, T deleted on the plus strand (A on the coding strand, the reverse complement: MAN2B1 is on the minus strand). VCF-style (leftmost placement, unchanged base first): chr19-12665365-GT-G. GRCh37 (hg19) VCF-style: chr19-12776179-GT-G.
Other names: c.422del (NM_000528.3); c.422del, p.Asp141fs (NM_001173498.2); short protein forms D141fs.
Identifiers: ClinVar variation 371425 (VCV000371425.17), dbSNP rs778399351, ClinGen allele CA9226819.